The following is an entry in ClinVar:

ClinVar aggregate classification (germline): Benign/Likely benign. Review status: criteria provided, multiple submitters, no conflicts (2 of 4 stars). 4 submissions from 4 submitters: Benign (1); Likely benign (3). Last evaluated 2025-01-23.

Conditions:
Hereditary cancer-predisposing syndrome. Also called: Tumor predisposition; Hereditary neoplastic syndrome; Neoplastic Syndromes, Hereditary; Hereditary Cancer Syndrome. Identifiers: Orphanet 140162, MedGen C0027672, MeSH D009386, MONDO:0015356.
Lynch syndrome 4 (LYNCH4). Also called: Hereditary non-polyposis colorectal cancer, type 4; Colorectal cancer, hereditary nonpolyposis, type 4. Identifiers: Orphanet 144, MedGen C1838333, MONDO:0013699, OMIM 614337. Disease mechanism: loss of function.
Hereditary nonpolyposis colorectal neoplasms. Identifiers: MedGen C0009405, MeSH D003123.

Allele frequency attached by ClinVar (database versions not stated): gnomAD exomes below 0.00001.
gnomAD v4.1: 1 of 1,605,856 alleles (0.000062%); highest among the groups gnomAD compares: Non-Finnish European, 0.000085%; no homozygotes.

Submissions (4):

Myriad Genetics, Inc.
Classification: Benign for Lynch syndrome 4. Last evaluated: 2025-01-23. Review status: criteria provided, single submitter. Criteria: Myriad Autosomal Dominant, Autosomal Recessive and X-Linked Classification Criteria (2023). Collection method: clinical testing. Allele origin: unknown.
Comment: This variant is considered benign. This variant is a silent/synonymous amino acid change and it is not expected to impact splicing.

Labcorp Genetics (formerly Invitae), Labcorp
Classification: Likely benign for Hereditary nonpolyposis colorectal neoplasms. Last evaluated: 2024-02-17. Review status: criteria provided, single submitter. Criteria: Invitae Variant Classification Sherloc (09022015). Collection method: clinical testing. Allele origin: germline.

Ambry Genetics
Classification: Likely benign for Hereditary cancer-predisposing syndrome. Last evaluated: 2021-04-19. Review status: criteria provided, single submitter. Criteria: Ambry Variant Classification Scheme 2023. Collection method: clinical testing. Allele origin: germline.

Color Diagnostics, LLC DBA Color Health
Classification: Likely benign for Hereditary cancer-predisposing syndrome. Last evaluated: 2019-06-24. Review status: criteria provided, single submitter. Criteria: ACMG Guidelines, 2015. Collection method: clinical testing. Allele origin: germline.

NM_000535.7(PMS2):c.216A>G (p.Gly72=)

Gene: PMS2 (PMS1 homolog 2, mismatch repair system component; minus strand). Cytogenetic location: 7p22.1.
Variant type: single nucleotide variant.
Coding change: c.216A>G on transcript NM_000535.7 (MANE Select); coding-DNA position 216, A replaced by G.
Protein change: p.Gly72=; no amino-acid change (glycine 72 retained).
Molecular consequence: synonymous variant. On other transcripts: 5 prime UTR variant (9), missense variant (2), initiator codon variant (2), non-coding transcript variant (1).
Genome position (GRCh38, 1-based): chr7:6,004,006, T>C on the plus strand (A>G on the coding strand, the complement: PMS2 is on the minus strand). VCF-style: chr7-6004006-T-C. GRCh37 (hg19) VCF-style: chr7-6043637-T-C.
Other names: c.-190A>G (NM_001322003.2, NM_001322004.2, NM_001322005.2 and 3 more transcripts); c.216A>G, p.Gly72= (NM_001322006.2, NM_001322014.2); c.1A>G, p.Met1Val (NM_001322007.2, NM_001322008.2); c.-669A>G (NM_001322011.2, NM_001322012.2); c.-269A>G (NM_001322015.2); short protein forms M1V.
Identifiers: ClinVar variation 846265 (VCV000846265.15), dbSNP rs568370805, ClinGen allele CA366744830.